The following is an entry in ClinVar:

ClinVar aggregate classification (germline): Uncertain significance (1 of 4 stars; one submission).

Conditions:
Hereditary cancer-predisposing syndrome. Also called: Neoplastic Syndromes, Hereditary; Tumor predisposition; Hereditary Cancer Syndrome; Hereditary neoplastic syndrome. Identifiers: Orphanet 140162, MedGen C0027672, MeSH D009386, MONDO:0015356.

Submission:

Ambry Genetics
Classification: Uncertain significance for Hereditary cancer-predisposing syndrome. Last evaluated: 2026-02-19. Review status: criteria provided, single submitter. Criteria: Ambry Variant Classification Scheme 2023. Collection method: clinical testing. Allele origin: germline.
Comment: The p.E203Q variant (also known as c.607G>C), located in coding exon 3 of the TMEM127 gene, results from a G to C substitution at nucleotide position 607. The glutamic acid at codon 203 is replaced by glutamine, an amino acid with highly similar properties. This amino acid position is highly conserved in available vertebrate species. In addition, the in silico prediction for this alteration is inconclusive. Based on the available evidence, the clinical significance of this variant remains unclear.

NM_017849.4(TMEM127):c.607G>C (p.Glu203Gln)

Gene: TMEM127 (transmembrane protein 127; minus strand). Cytogenetic location: 2q11.2.
Variant type: single nucleotide variant.
Coding change: c.607G>C on transcript NM_017849.4 (MANE Select); coding-DNA position 607, G replaced by C.
Protein change: p.Glu203Gln; replaces glutamic acid 203 with glutamine.
Molecular consequence: missense variant.
Genome position (GRCh38, 1-based): chr2:96,253,918, C>G on the plus strand (G>C on the coding strand, the complement: TMEM127 is on the minus strand). VCF-style: chr2-96253918-C-G. GRCh37 (hg19) VCF-style: chr2-96919656-C-G.
Other names: c.607G>C, p.Glu203Gln (NM_001193304.3); c.355G>C, p.Glu119Gln (NM_001407282.1, NM_001407283.1); short protein forms E119Q, E203Q.
Identifiers: ClinVar variation 4843997 (VCV004843997.1).